The following is an entry in ClinVar:

ClinVar aggregate classification (germline): Uncertain significance (1 of 4 stars; one submission).

Submission:

Greenwood Genetic Center Diagnostic Laboratories, Greenwood Genetic Center
Classification: Uncertain significance. Last evaluated: 2024-07-01. Review status: criteria provided, single submitter. Criteria: ACMG Guidelines, 2015. Collection method: clinical testing. Allele origin: germline. Affected: yes.
Comment: Gene of Uncertain Significance

NM_001347217.2(WDR13):c.329G>C (p.Arg110Pro)

Gene: WDR13 (WD repeat domain 13; plus strand). Cytogenetic location: Xp11.23.
Variant type: single nucleotide variant.
Coding change: c.329G>C on transcript NM_001347217.2 (MANE Select); coding-DNA position 329, G replaced by C.
Protein change: p.Arg110Pro; replaces arginine 110 with proline.
Molecular consequence: missense variant. On other transcripts: non-coding transcript variant (1).
Genome position (GRCh38, 1-based): chrX:48,599,399, G>C. VCF-style: chrX-48599399-G-C. GRCh37 (hg19) VCF-style: chrX-48457787-G-C.
Other names: c.53G>C, p.Arg18Pro (NM_001166426.3, NM_001347219.2); c.329G>C, p.Arg110Pro (NM_017883.6); short protein forms R110P, R18P.
Identifiers: ClinVar variation 3765855 (VCV003765855.1).
Genomic context (GRCh38, chrX:48,599,399, plus strand): 5'-CTCTCCATTTGCAGGACTTTGAGGATGATCCTCGGGCCCTGGGGGCCCGTGGGCACCGTC[G>C]TTCTGTCAGCAGAGGCTCCTACCAGCTGCAGGCGCAGATGAACCGTGCCGTCTATGAGGA-3'
Protein context (NP_001334146.1, residues 100-120): PRALGARGHR[Arg110Pro]SVSRGSYQLQ